The following is an entry in ClinVar:

NM_024675.4(PALB2):c.2224T>G (p.Ser742Ala)

Gene: PALB2 (partner and localizer of BRCA2; minus strand). Cytogenetic location: 16p12.2.
Variant type: single nucleotide variant.
Coding change: c.2224T>G on transcript NM_024675.4 (MANE Select); coding-DNA position 2224, T replaced by G.
Protein change: p.Ser742Ala; replaces serine 742 with alanine.
Molecular consequence: missense variant.
Genome position (GRCh38, 1-based): chr16:23,629,930, A>C on the plus strand (T>G on the coding strand, the complement: PALB2 is on the minus strand). VCF-style: chr16-23629930-A-C. GRCh37 (hg19) VCF-style: chr16-23641251-A-C.
Other names: short protein forms S742A.
Identifiers: ClinVar variation 1009669 (VCV001009669.9), dbSNP rs752682542, ClinGen allele CA7963610.
Genomic context (GRCh38, chr16:23,629,930, plus strand): 5'-GAGCAAGTTGGGGTGTGCAGCAAGTTCGTCCAGCAACTTCTGTAGATGCTTTTTCATAGG[A>C]GCCTTGAGGGCCAAAGGCTGGAGTAGTACCTAAGATGGGGAAAGCAGGTGAACACATGTC-3'
Protein context (NP_078951.2, residues 732-752): GTTPAFGPQG[Ser742Ala]YEKASTEVAG

ClinVar aggregate classification (germline): Uncertain significance (1 of 4 stars; one submission).

Conditions:
Familial cancer of breast. Also called: BREAST CANCER, FAMILIAL; Hereditary breast cancer; hereditary breast carcinoma. Identifiers: Orphanet 227535, MedGen C0346153, MONDO:0016419, OMIM 114480. Disease mechanism: loss of function.

Allele frequency attached by ClinVar (database versions not stated): gnomAD exomes below 0.00001 and 0.00001; ExAC 0.00001.
gnomAD v4.1: 1 of 1,614,140 alleles (0.000062%); highest among the groups gnomAD compares: Non-Finnish European, 0.000085%; no homozygotes.

Submission:

Labcorp Genetics (formerly Invitae), Labcorp
Classification: Uncertain significance for Familial cancer of breast. Last evaluated: 2020-09-19. Review status: criteria provided, single submitter. Criteria: Invitae Variant Classification Sherloc (09022015). Collection method: clinical testing. Allele origin: germline.
Comment: This variant has not been reported in the literature in individuals with PALB2-related conditions. In summary, the available evidence is currently insufficient to determine the role of this variant in disease. Therefore, it has been classified as a Variant of Uncertain Significance. Algorithms developed to predict the effect of missense changes on protein structure and function (SIFT, PolyPhen-2, Align-GVGD) all suggest that this variant is likely to be tolerated, but these predictions have not been confirmed by published functional studies and their clinical significance is uncertain. This variant is present in population databases (rs752682542, ExAC 0.001%). This sequence change replaces serine with alanine at codon 742 of the PALB2 protein (p.Ser742Ala). The serine residue is weakly conserved and there is a moderate physicochemical difference between serine and alanine.